The following is an entry in ClinVar:

ClinVar aggregate classification (germline): Uncertain significance. Review status: criteria provided, multiple submitters, no conflicts (2 of 4 stars). 5 submissions from 5 submitters: Uncertain significance (5). Last evaluated 2026-02-25.

Conditions:
Type 2 diabetes mellitus. Also called: Type II diabetes mellitus. Identifiers: MedGen C0011860, MeSH D003924, MONDO:0005148, OMIM 125853, HP:0005978.
Maturity-onset diabetes of the young type 4 (MODY4). Also called: Maturity-onset diabetes of the young, type IV; MODY, type IV. Identifiers: Orphanet 552, MedGen C1833382, MONDO:0011667, OMIM 606392.
Pancreatic agenesis 1 (PAGEN1). Also called: PANCREATIC HYPOPLASIA, CONGENITAL. Identifiers: Orphanet 2805, MedGen C3891828, MONDO:0024547, OMIM 260370.

gnomAD v4.1: 21 of 1,547,782 alleles (0.0014%); highest among the groups gnomAD compares: Admixed American, 0.039%; no homozygotes.

Submissions (5):

Women's Health and Genetics/Laboratory Corporation of America, LabCorp
Classification: Uncertain significance. Last evaluated: 2026-02-25. Review status: criteria provided, single submitter. Criteria: LabCorp Variant Classification Summary - May 2015. Collection method: clinical testing. Allele origin: germline.
Comment: Variant summary: PDX1 c.101C>T (p.Ala34Val) results in a non-conservative amino acid change in the encoded protein sequence. Algorithms developed to predict the effect of missense changes on protein structure and function all suggest that this variant is likely to be disruptive. The variant allele was found at a frequency of 8.5e-05 in 141506 control chromosomes. This frequency is not significantly higher than estimated for disease-causing variants in PDX1, allowing no conclusion about variant significance. To our knowledge, no occurrence of c.101C>T in individuals affected with PDX1-related conditions and no experimental evidence demonstrating its impact on protein function have been reported. ClinVar contains an entry for this variant (Variation ID: 1336622). Based on the evidence outlined above, the variant was classified as uncertain significance.

Labcorp Genetics (formerly Invitae), Labcorp
Classification: Uncertain significance. Last evaluated: 2026-01-26. Review status: criteria provided, single submitter. Criteria: Invitae Variant Classification Sherloc (09022015). Collection method: clinical testing. Allele origin: germline.
Comment: This sequence change replaces alanine, which is neutral and non-polar, with valine, which is neutral and non-polar, at codon 34 of the PDX1 protein (p.Ala34Val). This variant is present in population databases (rs750219172, gnomAD 0.05%). This variant has not been reported in the literature in individuals affected with PDX1-related conditions. ClinVar contains an entry for this variant (Variation ID: 1336622). Invitae Evidence Modeling of protein sequence and biophysical properties (such as structural, functional, and spatial information, amino acid conservation, physicochemical variation, residue mobility, and thermodynamic stability) indicates that this missense variant is not expected to disrupt PDX1 protein function with a negative predictive value of 80%. In summary, the available evidence is currently insufficient to determine the role of this variant in disease. Therefore, it has been classified as a Variant of Uncertain Significance.

ARUP Laboratories, Molecular Genetics and Genomics, ARUP Laboratories
Classification: Uncertain significance. Last evaluated: 2025-06-02. Review status: criteria provided, single submitter. Criteria: ARUP Molecular Germline Variant Investigation Process 2024. Collection method: clinical testing. Allele origin: germline.
Comment: The PDX1 c.101C>T; p.Ala34Val variant (rs750219172), to our knowledge, is not reported in the medical literature but is reported in ClinVar (Variation ID: 1336622). This variant is observed in the general population with an overall allele frequency of 0.008% (12/141506 alleles) in the Genome Aggregation Database (v2.1.1). Computational analyses are uncertain whether this variant is neutral or deleterious (REVEL: 0.547). Due to limited information, the clinical significance of this variant is uncertain at this time.

Fulgent Genetics
Classification: Uncertain significance for Type 2 diabetes mellitus; Pancreatic agenesis 1; Maturity-onset diabetes of the young type 4. Last evaluated: 2024-04-23. Review status: criteria provided, single submitter. Criteria: ACMG Guidelines, 2015. Collection method: clinical testing. Allele origin: germline.

Genetic Services Laboratory, University of Chicago
Classification: Uncertain significance. Last evaluated: 2021-12-01. Review status: criteria provided, single submitter. Criteria: ACMG Guidelines, 2015. Collection method: clinical testing. Allele origin: germline. Affected: no.
Comment: This sequence change does not appear to have been previously described in individuals with PDX1-related disorders. This sequence change has been described in the gnomAD database with a frequency of 0.045% in the Latino/Admixed American subpopulation (dbSNP rs750219172). The p.Ala34Val change affects a moderately conserved amino acid residue located in a domain of the PDX1 protein that is not known to be functional. In-silico pathogenicity prediction tools (SIFT, PolyPhen2, Align GVGD, REVEL) provide contradictory results for the p.Ala34Val substitution. Due to insufficient evidence and the lack of functional studies, the clinical significance of the p.Ala34Val change remains unknown at this time.

NM_000209.4(PDX1):c.101C>T (p.Ala34Val)

Gene: PDX1 (pancreatic and duodenal homeobox 1; plus strand). Cytogenetic location: 13q12.2.
Variant type: single nucleotide variant.
Coding change: c.101C>T on transcript NM_000209.4 (MANE Select); coding-DNA position 101, C replaced by T.
Protein change: p.Ala34Val; replaces alanine 34 with valine.
Molecular consequence: missense variant.
Genome position (GRCh38, 1-based): chr13:27,920,239, C>T. VCF-style: chr13-27920239-C-T. GRCh37 (hg19) VCF-style: chr13-28494376-C-T.
Other names: short protein forms A34V.
Identifiers: ClinVar variation 1336622 (VCV001336622.10), dbSNP rs750219172, ClinGen allele CA6927582.
Genomic context (GRCh38, chr13:27,920,239, plus strand): 5'-ACAAGGACCCATGCGCGTTCCAGCGAGGCCCGGCGCCGGAGTTCAGCGCCAGCCCCCCTG[C>T]GTGCCTGTACATGGGCCGCCAGCCCCCGCCGCCGCCGCCGCACCCGTTCCCTGGCGCCCT-3'
Protein context (NP_000200.1, residues 24-44): PAPEFSASPP[Ala34Val]CLYMGRQPPP